The following is an entry in ClinVar:

ClinVar aggregate classification (germline): Conflicting classifications of pathogenicity. Review status: criteria provided, conflicting classifications (1 of 4 stars). 7 submissions from 7 submitters: Uncertain significance (1); Benign (1); Likely benign (2). 3 of the submissions do not count toward it. Last evaluated 2026-08-01.

Conditions:
Familial acute necrotizing encephalopathy (IIAE3). Also called: ENCEPHALOPATHY, ACUTE, INFECTION-INDUCED, SUSCEPTIBILITY TO, 3; Susceptibility to Acute Necrotizing Encephalopathy 1. Identifiers: Orphanet 88619, MedGen C2675556, MONDO:0011953, OMIM 608033.

Allele frequency attached by ClinVar (database versions not stated): TOPMed 0.00094; gnomAD 0.00107 and 0.00108; 1000 Genomes Project 30x 0.00047; 1000 Genomes Project 0.00060; ESP Exome Variant Server 0.00109; gnomAD exomes 0.00112 and 0.00186; ExAC 0.00118.
gnomAD v4.1: 2,803 of 1,597,564 alleles (0.18%); highest among the groups gnomAD compares: Non-Finnish European, 0.21%; 6 homozygotes.

Submissions (7):

CeGaT Center for Human Genetics Tuebingen
Classification: Likely benign. Last evaluated: 2026-08-01. Review status: criteria provided, single submitter. Criteria: CeGaT Center For Human Genetics Tuebingen Variant Classification Criteria Version 2. Collection method: clinical testing. Allele origin: germline. Affected: yes. Observed: 5 variant alleles.
Comment: RANBP2: BP4, BS1

Labcorp Genetics (formerly Invitae), Labcorp
Classification: Benign for Familial acute necrotizing encephalopathy. Last evaluated: 2025-09-29. Review status: criteria provided, single submitter. Criteria: Invitae Variant Classification Sherloc (09022015). Collection method: clinical testing. Allele origin: germline.

Blueprint Genetics
Classification: Likely benign. Last evaluated: 2024-11-23. Review status: criteria provided, single submitter. Criteria: ACMG Guidelines, 2015. Collection method: clinical testing. Allele origin: germline.

GeneDx
Classification: Uncertain significance. Last evaluated: 2017-06-21. Review status: criteria provided, single submitter. Criteria: GeneDx Variant Classification (06012015). Collection method: clinical testing. Allele origin: germline. Affected: yes.
Comment: The c.783-6 T>C variant has not been published as a pathogenic variant, nor has it been reported as a benign variant to our knowledge. The c.783-6 T>C variant is observed in 106/64806 (0.16%) alleles from individuals of European background, including 1 homozygous individual in large population cohorts (Lek et al., 2016; 1000 Genomes Consortium et al., 2015; Exome Variant Server). The c.783-6 T>C substitution occurs at a position that is conserved across species. In-silico splice prediction models are inconsistent in their predictions as to whether or not c.783-6 T>C results in abnormal gene splicing, and in the absence of RNA/functional studies, the actual effect of this sequence change in this individual is unknown. In summary, based on the currently available information, it is unclear whether this variant is a pathogenic variant or a rare benign variant.

Clinical Genetics DNA and cytogenetics Diagnostics Lab, Erasmus MC, Erasmus Medical Center
Classification: Likely benign. Review status: no assertion criteria provided. Collection method: clinical testing. Allele origin: germline. Affected: yes. Study: VKGL Data-share Consensus. Not counted in ClinVar's aggregate classification.

Genome Diagnostics Laboratory, University Medical Center Utrecht
Classification: Benign. Review status: no assertion criteria provided. Collection method: clinical testing. Allele origin: germline. Affected: yes. Study: VKGL Data-share Consensus. Not counted in ClinVar's aggregate classification.

Laboratory of Diagnostic Genome Analysis, Leiden University Medical Center (LUMC)
Classification: Likely benign. Review status: no assertion criteria provided. Collection method: clinical testing. Allele origin: germline. Affected: yes. Study: VKGL Data-share Consensus. Not counted in ClinVar's aggregate classification.

NM_006267.5(RANBP2):c.783-6T>C

Gene: RANBP2 (RAN binding protein 2; plus strand). Cytogenetic location: 2q13.
Variant type: single nucleotide variant.
Coding change: c.783-6T>C on transcript NM_006267.5 (MANE Select); 6 bases into the intron before coding-DNA position 783, T replaced by C.
Molecular consequence: intron variant.
Genome position (GRCh38, 1-based): chr2:108,740,483, T>C. VCF-style: chr2-108740483-T-C. GRCh37 (hg19) VCF-style: chr2-109356939-T-C.
Identifiers: ClinVar variation 383037 (VCV000383037.40), dbSNP rs138540027, ClinGen allele CA1822138.
Genomic context (GRCh38, chr2:108,740,483, plus strand): 5'-AAATAAACCATGATTATTCACAGTGCAGTAAGTGTGTATTATCTGTTTGATATTTTCATA[T>C]TACAGTTTTGATAGTGCTCTTCAGTCTGTGAAATCTTTGGGTGGAAATGATGAACTGTCA-3'